The following is an entry in ClinVar:

NM_000254.3(MTR):c.1077T>G (p.Gly359=)

Gene: MTR (5-methyltetrahydrofolate-homocysteine methyltransferase; plus strand). Cytogenetic location: 1q43.
Variant type: single nucleotide variant.
Coding change: c.1077T>G on transcript NM_000254.3 (MANE Select); coding-DNA position 1077, T replaced by G.
Protein change: p.Gly359=; no amino-acid change (glycine 359 retained).
Molecular consequence: synonymous variant. On other transcripts: intron variant (1).
Genome position (GRCh38, 1-based): chr1:236,831,967, T>G. VCF-style: chr1-236831967-T-G. GRCh37 (hg19) VCF-style: chr1-236995267-T-G.
Other names: c.1077T>G, p.Gly359= (NM_001291939.1); c.-34+2699T>G (NM_001291940.2).
Identifiers: ClinVar variation 799643 (VCV000799643.8), dbSNP rs745469748, ClinGen allele CA423816985.

ClinVar aggregate classification (germline): Uncertain significance (1 of 4 stars; one submission).

Conditions:
Methylcobalamin deficiency type cblG (HMAG). Also called: HOMOCYSTINURIA-MEGALOBLASTIC ANEMIA, cblG COMPLEMENTATION TYPE; Functional methionine synthase deficiency type cblG; HOMOCYSTINURIA-MEGALOBLASTIC ANEMIA, cblG TYPE; HOMOCYSTINURIA-MEGALOBLASTIC ANEMIA DUE TO DEFECT IN COBALAMIN METABOLISM, cblG COMPLEMENTATION TYPE. Identifiers: Orphanet 2170, Orphanet 622, MedGen C1855128, MONDO:0009609, OMIM 250940.

Submission:

Labcorp Genetics (formerly Invitae), Labcorp
Classification: Uncertain significance for Methylcobalamin deficiency type cblG. Last evaluated: 2023-11-30. Review status: criteria provided, single submitter. Criteria: Invitae Variant Classification Sherloc (09022015). Collection method: clinical testing. Allele origin: germline.
Comment: This sequence change affects codon 359 of the MTR mRNA. It is a 'silent' change, meaning that it does not change the encoded amino acid sequence of the MTR protein. This variant is not present in population databases (gnomAD no frequency). This variant has been observed in individual(s) with cobalamin G deficiency (Invitae). ClinVar contains an entry for this variant (Variation ID: 799643). Algorithms developed to predict the effect of sequence changes on RNA splicing suggest that this variant may disrupt the consensus splice site. In summary, the available evidence is currently insufficient to determine the role of this variant in disease. Therefore, it has been classified as a Variant of Uncertain Significance.